The following is an entry in ClinVar:

NM_031407.7(HUWE1):c.12691T>C (p.Tyr4231His)

Gene: HUWE1 (HECT, UBA and WWE domain containing E3 ubiquitin protein ligase 1; minus strand). Cytogenetic location: Xp11.22.
Variant type: single nucleotide variant.
Coding change: c.12691T>C on transcript NM_031407.7 (MANE Select); coding-DNA position 12691, T replaced by C.
Protein change: p.Tyr4231His; replaces tyrosine 4231 with histidine.
Molecular consequence: missense variant.
Genome position (GRCh38, 1-based): chrX:53,534,656, A>G on the plus strand (T>C on the coding strand, the complement: HUWE1 is on the minus strand). VCF-style: chrX-53534656-A-G. GRCh37 (hg19) VCF-style: chrX-53561617-A-G.
Other names: short protein forms Y4231H.
Identifiers: ClinVar variation 419084 (VCV000419084.3), dbSNP rs1064793631, ClinGen allele CA16621451.

ClinVar aggregate classification (germline): Pathogenic/Likely pathogenic. Review status: criteria provided, multiple submitters, no conflicts (2 of 4 stars). 2 submissions from 2 submitters: Pathogenic (1); Likely pathogenic (1). Last evaluated 2025-02-19.

Conditions:
Intellectual developmental disorder, X-linked, syndromic, Turner type. Also called: X-linked intellectual disability, Turner type; Intellectual disability, X-linked syndromic, Turner type. Identifiers: Orphanet 3056, Orphanet 85328, MedGen C2678046, MONDO:0010407, OMIM 309590.

Submissions (2):

3billion
Classification: Likely pathogenic for Intellectual developmental disorder, X-linked, syndromic, Turner type. Last evaluated: 2025-02-19. Review status: criteria provided, single submitter. Criteria: ACMG Guidelines, 2015. Collection method: clinical testing. Allele origin: germline. Affected: yes.
Comment: The variant is not observed in the gnomAD v4.1.0 dataset. Predicted Consequence/Location: The variant is located in a mutational hot spot and/or well-established functional domain in which established pathogenic variants have been reported (PMID: 35937685). In silico tool predictions suggest damaging effect of the variant on gene or gene product [3Cnet: 0.94 (>=0.6, sensitivity 0.72 and precision 0.9)]. The same nucleotide change resulting in the same amino acid change has been previously reported to be associated with HUWE1-related disorder (ClinVar ID: VCV000419084 /PMID: 30919572). Therefore, this variant is classified as Likely pathogenic according to the recommendation of ACMG/AMP guideline.

GeneDx
Classification: Pathogenic. Last evaluated: 2016-07-12. Review status: criteria provided, single submitter. Criteria: GeneDx Variant Classification (06012015). Collection method: clinical testing. Allele origin: germline. Affected: yes.
Comment: The Y4231H variant in the HUWE1 gene has not been reported previously as a pathogenic variant, nor as a benignvariant, to our knowledge. The Y4231H variant was not observed in approximately 6,500 individuals of Europeanand African American ancestry in the NHLBI Exome Sequencing Project, indicating it is not a common benignvariant in these populations. The Y4231H variant is a non-conservative amino acid substitution, which is likely toimpact secondary protein structure as these residues differ in polarity, charge, size and/or other properties. This substitution occurs at a position that is conserved across species, and in silico analysis predicts this variant isprobably damaging to the protein structure/function. We interpret Y4231H as a pathogenic variant.

Literature cited by the submitters: PubMed 30919572 (cited by 3billion).